The following is an entry in ClinVar:

ClinVar aggregate classification (germline): Uncertain significance (1 of 4 stars; one submission).

Conditions:
Short-rib thoracic dysplasia 10 with or without polydactyly (SRTD10). Identifiers: Orphanet 474, MedGen C3810175, MONDO:0014284, OMIM 615630.
Retinitis pigmentosa 71 (RP71). Identifiers: Orphanet 791, MedGen C4225342, MONDO:0014618, OMIM 616394.

Allele frequency attached by ClinVar (database versions not stated): gnomAD exomes 0.00002; gnomAD 0.00001; ExAC 0.00002; ESP Exome Variant Server 0.00008; TOPMed below 0.00001.
gnomAD v4.1: 50 of 1,613,402 alleles (0.0031%); highest among the groups gnomAD compares: Non-Finnish European, 0.0042%; no homozygotes.

Submission:

Labcorp Genetics (formerly Invitae), Labcorp
Classification: Uncertain significance for Retinitis pigmentosa 71; Short-rib thoracic dysplasia 10 with or without polydactyly. Last evaluated: 2022-07-05. Review status: criteria provided, single submitter. Criteria: Invitae Variant Classification Sherloc (09022015). Collection method: clinical testing. Allele origin: germline.
Comment: In summary, the available evidence is currently insufficient to determine the role of this variant in disease. Therefore, it has been classified as a Variant of Uncertain Significance. Algorithms developed to predict the effect of missense changes on protein structure and function are either unavailable or do not agree on the potential impact of this missense change (SIFT: "Deleterious"; PolyPhen-2: "Benign"; Align-GVGD: "Class C0"). ClinVar contains an entry for this variant (Variation ID: 1401023). This variant has not been reported in the literature in individuals affected with IFT172-related conditions. This variant is present in population databases (rs148800421, gnomAD 0.004%). This sequence change replaces serine, which is neutral and polar, with arginine, which is basic and polar, at codon 1724 of the IFT172 protein (p.Ser1724Arg).

NM_015662.3(IFT172):c.5170A>C (p.Ser1724Arg)

Genes: IFT172 (intraflagellar transport 172; minus strand), KRTCAP3 (keratinocyte associated protein 3; plus strand). Cytogenetic location: 2p23.3.
Variant type: single nucleotide variant.
Coding change: c.5170A>C on transcript NM_015662.3 (MANE Select); coding-DNA position 5170, A replaced by C.
Protein change: p.Ser1724Arg; replaces serine 1724 with arginine.
Molecular consequence: missense variant. On other transcripts: intron variant (1).
Genome position (GRCh38, 1-based): chr2:27,444,512, T>G on the plus strand (A>C on the coding strand, the complement: IFT172 is on the minus strand). VCF-style: chr2-27444512-T-G. GRCh37 (hg19) VCF-style: chr2-27667379-T-G.
Other names: c.5104A>C, p.Ser1702Arg (NM_001410739.1); c.*5+451T>G (NM_001168364.2); short protein forms S1724R, S1702R.
Identifiers: ClinVar variation 1401023 (VCV001401023.7), dbSNP rs148800421, ClinGen allele CA1579321.